The following is an entry in ClinVar:

ClinVar aggregate classification (germline): Benign. Review status: criteria provided, multiple submitters, no conflicts (2 of 4 stars). 2 submissions from 2 submitters: Benign (2). Last evaluated 2018-06-19.

Allele frequency attached by ClinVar (database versions not stated): 1000 Genomes Project 30x 0.23111; 1000 Genomes Project 0.23143; TOPMed 0.27503; gnomAD 0.29016 and 0.29195; gnomAD exomes 0.36740.
gnomAD v4.1: 255,521 of 726,488 alleles (35%); highest among the groups gnomAD compares: Non-Finnish European, 40%; 49,334 homozygotes.

Submissions (2):

GeneDx
Classification: Benign. Last evaluated: 2018-06-19. Review status: criteria provided, single submitter. Criteria: GeneDx Variant Classification (06012015). Collection method: clinical testing. Allele origin: germline. Affected: yes.
Comment: This variant is considered likely benign or benign based on one or more of the following criteria: it is a conservative change, it occurs at a poorly conserved position in the protein, it is predicted to be benign by multiple in silico algorithms, and/or has population frequency not consistent with disease.

Breakthrough Genomics
Classification: Benign. Review status: criteria provided, single submitter. Criteria: ACMG Guidelines, 2015. Collection method: not provided. Allele origin: germline. Inheritance: Autosomal recessive inheritance. Affected: yes.

NM_201384.3(PLEC):c.603-129T>C

Gene: PLEC (plectin; minus strand). Cytogenetic location: 8q24.3.
Variant type: single nucleotide variant.
Coding change: c.603-129T>C on transcript NM_201384.3 (MANE Select); 129 bases into the intron before coding-DNA position 603, T replaced by C.
Molecular consequence: intron variant.
Genome position (GRCh38, 1-based): chr8:143,935,442, A>G on the plus strand (T>C on the coding strand, the complement: PLEC is on the minus strand). VCF-style: chr8-143935442-A-G. GRCh37 (hg19) VCF-style: chr8-145009610-A-G.
Other names: c.684-129T>C (NM_000445.5); c.561-129T>C (NM_201378.4); c.537-129T>C (NM_201379.3); c.1014-129T>C (NM_201380.4); c.507-129T>C (NM_201381.3); c.603-129T>C (NM_201382.4); c.615-129T>C (NM_201383.3).
Identifiers: ClinVar variation 667890 (VCV000667890.2), dbSNP rs11784762, ClinGen allele CA12850413.